The following is an entry in ClinVar:

ClinVar aggregate classification (germline): Uncertain significance. Review status: criteria provided, multiple submitters, no conflicts (2 of 4 stars). 3 submissions from 3 submitters: Uncertain significance (3). Last evaluated 2026-09-25.

Conditions:
PGAP1-related disorder. Also called: PGAP1-related condition.
Intellectual disability, autosomal recessive 42 (NEDDSBA). Also called: Neurodevelopmental disorder with dysmorphic features, spasticity, and brain abnormalities; GLYCOSYLPHOSPHATIDYLINOSITOL BIOSYNTHESIS DEFECT 9. Identifiers: Orphanet 88616, MedGen C4014343, MONDO:0014348, OMIM 615802.
Inborn genetic diseases. Identifiers: MedGen C0950123, MeSH D030342.

Allele frequency attached by ClinVar (database versions not stated): ExAC 0.00003; gnomAD exomes 0.00004; gnomAD 0.00030; 1000 Genomes Project 0.00060; TOPMed 0.00063; 1000 Genomes Project 30x 0.00078.

Submissions (3):

PreventionGenetics, part of Exact Sciences
Classification: Uncertain significance for PGAP1-related condition. Last evaluated: 2026-09-25. Review status: criteria provided, single submitter. Criteria: ACMG Guidelines, 2015. Collection method: clinical testing. Allele origin: germline.
Comment: The PGAP1 c.3G>A variant is predicted to disrupt the translation initiation site (Start Loss). In the NM_024989 transcript, this variant results in a missense change (c.525G>A, p.Met175Ile). To our knowledge, this variant has not been reported in the literature. This variant is reported in 0.014% of alleles in individuals of Latino descent in gnomAD. At this time, the clinical significance of this variant is uncertain due to the absence of conclusive functional and genetic evidence.

Labcorp Genetics (formerly Invitae), Labcorp
Classification: Uncertain significance for Intellectual disability, autosomal recessive 42. Last evaluated: 2025-07-14. Review status: criteria provided, single submitter. Criteria: Invitae Variant Classification Sherloc (09022015). Collection method: clinical testing. Allele origin: germline.
Comment: This sequence change replaces methionine, which is neutral and non-polar, with isoleucine, which is neutral and non-polar, at codon 175 of the PGAP1 protein (p.Met175Ile). This variant is present in population databases (rs185881437, gnomAD 0.02%). This variant has not been reported in the literature in individuals affected with PGAP1-related conditions. ClinVar contains an entry for this variant (Variation ID: 2017450). Invitae Evidence Modeling of protein sequence and biophysical properties (such as structural, functional, and spatial information, amino acid conservation, physicochemical variation, residue mobility, and thermodynamic stability) has been performed for this missense variant. However, the output from this modeling did not meet the statistical confidence thresholds required to predict the impact of this variant on PGAP1 protein function. In summary, the available evidence is currently insufficient to determine the role of this variant in disease. Therefore, it has been classified as a Variant of Uncertain Significance.

Ambry Genetics
Classification: Uncertain significance for Inborn genetic diseases. Last evaluated: 2025-01-18. Review status: criteria provided, single submitter. Criteria: Ambry Variant Classification Scheme 2023. Collection method: clinical testing. Allele origin: germline.

NM_024989.4(PGAP1):c.525G>A (p.Met175Ile)

Gene: PGAP1 (post-GPI attachment to proteins inositol deacylase 1; minus strand). Cytogenetic location: 2q33.1.
Variant type: single nucleotide variant.
Coding change: c.525G>A on transcript NM_024989.4 (MANE Select); coding-DNA position 525, G replaced by A.
Protein change: p.Met175Ile; replaces methionine 175 with isoleucine.
Molecular consequence: missense variant. On other transcripts: initiator codon variant (1), 5 prime UTR variant (1).
Genome position (GRCh38, 1-based): chr2:196,913,006, C>T on the plus strand (G>A on the coding strand, the complement: PGAP1 is on the minus strand). VCF-style: chr2-196913006-C-T. GRCh37 (hg19) VCF-style: chr2-197777730-C-T.
Other names: c.525G>A (NM_024989.3); c.3G>A (NM_001321099.1); c.3G>A, p.Met1Ile (NM_001321099.2); c.-587G>A (NM_001321100.2); short protein forms M175I, M1I.
Identifiers: ClinVar variation 2017450 (VCV002017450.5), dbSNP rs185881437, ClinGen allele CA2041175.